The following is an entry in ClinVar:

NM_001379500.1(COL18A1):c.3216+10C>G

Genes: COL18A1 (collagen type XVIII alpha 1 chain; plus strand), SLC19A1 (solute carrier family 19 member 1; minus strand). Cytogenetic location: 21q22.3.
Variant type: single nucleotide variant.
Coding change: c.3216+10C>G on transcript NM_001379500.1 (MANE Select); 10 bases into the intron after coding-DNA position 3216, C replaced by G.
Molecular consequence: intron variant.
Genome position (GRCh38, 1-based): chr21:45,505,976, C>G. VCF-style: chr21-45505976-C-G. GRCh37 (hg19) VCF-style: chr21-46925890-C-G.
Other names: c.4461+10C>G (NM_130444.3); c.3756+10C>G (NM_030582.4); c.3747+10C>G (NM_030582.3).
Identifiers: ClinVar variation 1580770 (VCV001580770.10), dbSNP rs373291504, ClinGen allele CA10067761.
Genomic context (GRCh38, chr21:45,505,976, plus strand): 5'-GAGCAGGAGGAGCTCTACGTCCGCGTGCAGAACGGGTTCCGGAAGGTCCAGGTGAGCGCT[C>G]TGTGTGACGGGTTCTGGACCCGTGGAAGGGCCGAAGCCGCCTCCTGGGGCTTAAGGAAGG-3'

ClinVar aggregate classification (germline): Likely benign. Review status: criteria provided, multiple submitters, no conflicts (2 of 4 stars). 3 submissions from 3 submitters: Likely benign (3). Last evaluated 2026-04-02.

Conditions:
COL18A1-related disorder. Also called: COL18A1-related condition; COL18A1-related disorders.

Allele frequency attached by ClinVar (database versions not stated): gnomAD 0.00002; gnomAD exomes 0.00002 and 0.00004; ExAC 0.00003; TOPMed 0.00003; ESP Exome Variant Server 0.00008; 1000 Genomes Project 30x 0.00016.
gnomAD v4.1: 26 of 1,613,042 alleles (0.0016%); highest among the groups gnomAD compares: African/African-American, 0.004%; no homozygotes.

Submissions (3):

PreventionGenetics, part of Exact Sciences
Classification: Likely benign for COL18A1-related condition. Last evaluated: 2026-04-02. Review status: criteria provided, single submitter. Criteria: ACMG Guidelines, 2015. Collection method: clinical testing. Allele origin: germline.
Comment: This variant is classified as likely benign based on ACMG/AMP sequence variant interpretation guidelines (Richards et al. 2015 PMID: 25741868, with internal and published modifications).

Labcorp Genetics (formerly Invitae), Labcorp
Classification: Likely benign. Last evaluated: 2025-11-08. Review status: criteria provided, single submitter. Criteria: Invitae Variant Classification Sherloc (09022015). Collection method: clinical testing. Allele origin: germline.

Blueprint Genetics
Classification: Likely benign. Last evaluated: 2024-09-03. Review status: criteria provided, single submitter. Criteria: ACMG Guidelines, 2015. Collection method: clinical testing. Allele origin: germline.